The following is an entry in ClinVar:

ClinVar aggregate classification (germline): Benign. Review status: criteria provided, multiple submitters, no conflicts (2 of 4 stars). 3 submissions from 3 submitters: Benign (3). Last evaluated 2024-07-15.

Allele frequency attached by ClinVar (database versions not stated): 1000 Genomes Project 0.39776; 1000 Genomes Project 30x 0.39897; TOPMed 0.52777; gnomAD 0.53961 and 0.55315; gnomAD exomes 0.55402; ESP Exome Variant Server 0.57249.
gnomAD v4.1: 649,761 of 1,177,794 alleles (55%); highest among the groups gnomAD compares: Non-Finnish European, 61%; 189,710 homozygotes.

Submissions (3):

Unidad de Genómica Garrahan, Hospital de Pediatría Garrahan
Classification: Benign. Last evaluated: 2024-07-15. Review status: criteria provided, single submitter. Criteria: ACMG Guidelines, 2015. Collection method: clinical testing. Allele origin: germline. Affected: no. Observed: 51 variant alleles.
Comment: This variant is classified as Benign based on local population frequency. This variant was detected in 55% of patients studied in a panel designed for Epileptic and Developmental Encephalopathy and Progressive Myoclonus Epilepsy. Number of patients: 51. Only high quality variants are reported.

GeneDx
Classification: Benign. Last evaluated: 2021-05-11. Review status: criteria provided, single submitter. Criteria: GeneDx Variant Classification Process June 2021. Collection method: clinical testing. Allele origin: germline. Affected: yes.

Breakthrough Genomics
Classification: Benign. Review status: criteria provided, single submitter. Criteria: ACMG Guidelines, 2015. Collection method: not provided. Allele origin: germline. Inheritance: Autosomal dominant inheritance. Affected: yes.

NM_005235.3(ERBB4):c.1198+60C>T

Gene: ERBB4 (erb-b2 receptor tyrosine kinase 4; minus strand). Cytogenetic location: 2q34.
Variant type: single nucleotide variant.
Coding change: c.1198+60C>T on transcript NM_005235.3 (MANE Select); 60 bases into the intron after coding-DNA position 1198, C replaced by T.
Molecular consequence: intron variant.
Genome position (GRCh38, 1-based): chr2:211,705,258, G>A on the plus strand (C>T on the coding strand, the complement: ERBB4 is on the minus strand). VCF-style: chr2-211705258-G-A. GRCh37 (hg19) VCF-style: chr2-212569983-G-A.
Other names: c.1198+60C>T (NM_001042599.2, NM_001439006.1, NM_001439005.1).
Identifiers: ClinVar variation 1271770 (VCV001271770.4), dbSNP rs6723705, ClinGen allele CA11207869.